The following is an entry in ClinVar:

NM_001814.6(CTSC):c.-55C>A

Genes: CTSC (cathepsin C; minus strand), LOC130006572 (ATAC-STARR-seq lymphoblastoid active region 5382; plus strand). Cytogenetic location: 11q14.2.
Variant type: single nucleotide variant.
Coding change: c.-55C>A on transcript NM_001814.6 (MANE Select); 55 bases upstream of the start codon, C replaced by A.
Molecular consequence: 5 prime UTR variant.
Genome position (GRCh38, 1-based): chr11:88,337,727, G>T on the plus strand (C>A on the coding strand, the complement: CTSC is on the minus strand). VCF-style: chr11-88337727-G-T. GRCh37 (hg19) VCF-style: chr11-88070895-G-T.
Other names: c.-55C>A (NM_001114173.3, NM_148170.5, NM_001814.5).
Identifiers: ClinVar variation 1075099 (VCV001075099.9), dbSNP rs766114323, ClinGen allele CA225449786.

ClinVar aggregate classification (germline): Pathogenic. Review status: criteria provided, multiple submitters, no conflicts (2 of 4 stars). 2 submissions from 2 submitters: Pathogenic (2). Last evaluated 2023-07-17.

Conditions:
Papillon-Lefèvre syndrome (PALS). Also called: KERATOSIS PALMOPLANTARIS WITH PERIODONTOPATHIA; Papillon-Lefevre Disease. Identifiers: Orphanet 678, MedGen C0030360, MONDO:0009490, OMIM 245000.
Haim-Munk syndrome (HMS). Also called: COCHIN JEWISH DISORDER; KERATOSIS PALMOPLANTARIS WITH PERIODONTOPATHIA AND ONYCHOGRYPOSIS. Identifiers: Orphanet 2342, MedGen C1855627, MONDO:0009491, OMIM 245010.
Periodontitis, aggressive. Identifiers: MedGen C0031106, MONDO:0980757.

Allele frequency attached by ClinVar (database versions not stated): TOPMed 0.00001.
gnomAD v4.1: 13 of 1,543,934 alleles (0.00084%); highest among the groups gnomAD compares: African/African-American, 0.0014%; no homozygotes.

Submissions (2):

Women's Health and Genetics/Laboratory Corporation of America, LabCorp
Classification: Pathogenic for Papillon-Lefèvre syndrome. Last evaluated: 2023-07-17. Review status: criteria provided, single submitter. Criteria: LabCorp Variant Classification Summary - May 2015. Collection method: clinical testing. Allele origin: germline.
Comment: Variant summary: CTSC c.-55C>A is located in the untranslated mRNA region upstream of the initiation codon. The variant allele was found at a frequency of 6.8e-06 in 147122 control chromosomes (gnomAD). c.-55C>A has been reported in the literature as a homozygous genotype in 4 unrelated Slovenian femalies affected with Papillon-Lefevre syndrome, segregating with disease (Kosem_2012). These data indicate that the variant is very likely to be associated with disease. The variant was found altering CTSC expression, where homozygous individuals had less than 2.5% expression when compared to controls, and less than 1.5% residual activity in peripheral leukocytes (Kosem_2012). The following publication has been ascertained in the context of this evaluation (PMID: 23108224). One ClinVar submitter has assessed the variant since 2014, and classified the variant as pathogenic. Based on the evidence outlined above, the variant was classified as pathogenic.

Labcorp Genetics (formerly Invitae), Labcorp
Classification: Pathogenic for Haim-Munk syndrome; Periodontitis, aggressive; Papillon-Lefèvre syndrome. Last evaluated: 2020-04-12. Review status: criteria provided, single submitter. Criteria: Invitae Variant Classification Sherloc (09022015). Collection method: clinical testing. Allele origin: germline.
Comment: For these reasons, this variant has been classified as Pathogenic. This variant occurs in a non-coding region of the CTSC gene. It does not change the encoded amino acid sequence of the CTSC protein. The frequency data for this variant in the population databases is considered unreliable, as metrics indicate insufficient coverage at this position in the ExAC database. This variant has been observed in individual(s) with Papillon Lefevre syndrome (PMID: 23108224). It has also been observed to segregate with disease in related individuals. This variant has been reported to affect CTSC protein function (PMID: 23108224).

Literature cited by the submitters: PubMed 23108224 (cited by Women's Health and Genetics/Laboratory Corporation of America, LabCorp and Labcorp Genetics (formerly Invitae), Labcorp).